The following is an entry in ClinVar:

ClinVar aggregate classification (germline): Uncertain significance (1 of 4 stars; one submission).

Conditions:
Emery-Dreifuss muscular dystrophy 5, autosomal dominant (EDMD5). Also called: EMERY-DREIFUSS MUSCULAR DYSTROPHY 5. Identifiers: Orphanet 261, MedGen C2751805, MONDO:0013072, OMIM 612999.

Submission:

Labcorp Genetics (formerly Invitae), Labcorp
Classification: Uncertain significance for Emery-Dreifuss muscular dystrophy 5, autosomal dominant. Last evaluated: 2025-10-01. Review status: criteria provided, single submitter. Criteria: Invitae Variant Classification Sherloc (09022015). Collection method: clinical testing. Allele origin: germline.
Comment: This sequence change replaces leucine, which is neutral and non-polar, with valine, which is neutral and non-polar, at codon 2584 of the SYNE2 protein (p.Leu2584Val). This variant is not present in population databases (gnomAD no frequency). This variant has not been reported in the literature in individuals affected with SYNE2-related conditions. An algorithm developed to predict the effect of missense changes on protein structure and function outputs the following: PolyPhen-2: "Benign". The valine amino acid residue is found in multiple mammalian species, which suggests that this missense change does not adversely affect protein function. In summary, the available evidence is currently insufficient to determine the role of this variant in disease. Therefore, it has been classified as a Variant of Uncertain Significance.

NM_182914.3(SYNE2):c.7750T>G (p.Leu2584Val)

Gene: SYNE2 (spectrin repeat containing nuclear envelope protein 2; plus strand). Cytogenetic location: 14q23.2.
Variant type: single nucleotide variant.
Coding change: c.7750T>G on transcript NM_182914.3 (MANE Select); coding-DNA position 7750, T replaced by G.
Protein change: p.Leu2584Val; replaces leucine 2584 with valine.
Molecular consequence: missense variant.
Genome position (GRCh38, 1-based): chr14:64,051,663, T>G. VCF-style: chr14-64051663-T-G. GRCh37 (hg19) VCF-style: chr14-64518381-T-G.
Other names: c.7750T>G, p.Leu2584Val (NM_015180.6); short protein forms L2584V.
Identifiers: ClinVar variation 4724249 (VCV004724249.1).